The following is an entry in ClinVar:

ClinVar aggregate classification (germline): Uncertain significance (1 of 4 stars; one submission).

Conditions:
Carnitine palmitoyl transferase 1A deficiency. Also called: Carnitine palmitoyltransferase 1A deficiency; CPT deficiency, hepatic, type IA; Carnitine palmitoyltransferase type I deficiency; CPT I DEFICIENCY; CPT DEFICIENCY, HEPATIC, TYPE I. Identifiers: Orphanet 156, MedGen C1829703, MONDO:0009705, OMIM 255120.

gnomAD v4.1: 1 of 1,614,088 alleles (0.000062%); highest among the groups gnomAD compares: Non-Finnish European, 0.000085%; no homozygotes.

Submission:

Labcorp Genetics (formerly Invitae), Labcorp
Classification: Uncertain significance for Carnitine palmitoyl transferase 1A deficiency. Last evaluated: 2022-01-04. Review status: criteria provided, single submitter. Criteria: Invitae Variant Classification Sherloc (09022015). Collection method: clinical testing. Allele origin: germline.
Comment: This variant is not present in population databases (gnomAD no frequency). In summary, the available evidence is currently insufficient to determine the role of this variant in disease. Therefore, it has been classified as a Variant of Uncertain Significance. Algorithms developed to predict the effect of missense changes on protein structure and function are either unavailable or do not agree on the potential impact of this missense change (SIFT: "Deleterious"; PolyPhen-2: "Benign"; Align-GVGD: "Class C0"). This variant has not been reported in the literature in individuals affected with CPT1A-related conditions. This sequence change replaces arginine, which is basic and polar, with leucine, which is neutral and non-polar, at codon 284 of the CPT1A protein (p.Arg284Leu).

NM_001876.4(CPT1A):c.851G>T (p.Arg284Leu)

Gene: CPT1A (carnitine palmitoyltransferase 1A; minus strand). Cytogenetic location: 11q13.3.
Variant type: single nucleotide variant.
Coding change: c.851G>T on transcript NM_001876.4 (MANE Select); coding-DNA position 851, G replaced by T.
Protein change: p.Arg284Leu; replaces arginine 284 with leucine.
Molecular consequence: missense variant.
Genome position (GRCh38, 1-based): chr11:68,794,832, C>A on the plus strand (G>T on the coding strand, the complement: CPT1A is on the minus strand). VCF-style: chr11-68794832-C-A. GRCh37 (hg19) VCF-style: chr11-68562300-C-A.
Other names: c.851G>T, p.Arg284Leu (NM_001031847.3); short protein forms R284L.
Identifiers: ClinVar variation 1897416 (VCV001897416.3), dbSNP rs144866081, ClinGen allele CA381634493.